The following is an entry in ClinVar:

NM_000179.3(MSH6):c.2521del (p.Arg841fs)

Gene: MSH6 (mutS homolog 6; plus strand). Cytogenetic location: 2p16.3.
Variant type: Deletion.
Coding change: c.2521del on transcript NM_000179.3 (MANE Select); coding-DNA position 2521, one base deleted (A; older notation c.2521delA).
Protein change: p.Arg841fs; shifts the reading frame from arginine 841.
Molecular consequence: frameshift variant.
Genome position (GRCh38, 1-based): chr2:47,800,504, A deleted. VCF-style (leftmost placement, unchanged base first): chr2-47800503-CA-C. GRCh37 (hg19) VCF-style: chr2-48027642-CA-C.
Other names: c.2131del, p.Arg711fs (NM_001281492.2); c.1615del, p.Arg539fs (NM_001281493.2, NM_001281494.2); c.2521delA (NM_000179.2); short protein forms R539fs, R711fs, R841fs.
Identifiers: ClinVar variation 428402 (VCV000428402.17), dbSNP rs1114167771, ClinGen allele CA645369252.
Genomic context (GRCh38, chr2:47,800,503, plus strand): 5'-GCTACTCAGTAAAATTCATAATGTTGGGTCTCCCCTGAAGAGTCAGAACCACCCAGACAG[CA>C]GGGCTATAATGTATGAAGAAACTACATACAGCAAGAAGAAGATTATTGATTTTCTTTCTG-3'

ClinVar aggregate classification (germline): Pathogenic. Review status: criteria provided, multiple submitters, no conflicts (2 of 4 stars). 4 submissions from 4 submitters: Pathogenic (4). Last evaluated 2025-01-14.

Conditions:
Hereditary cancer-predisposing syndrome. Also called: Hereditary Cancer Syndrome; Neoplastic Syndromes, Hereditary; Hereditary neoplastic syndrome; Tumor predisposition. Identifiers: Orphanet 140162, MedGen C0027672, MeSH D009386, MONDO:0015356.
Hereditary nonpolyposis colorectal neoplasms. Identifiers: MedGen C0009405, MeSH D003123.
Lynch syndrome 5 (LYNCH5). Also called: Hereditary non-polyposis colorectal cancer, type 5; Colorectal cancer, hereditary nonpolyposis, type 5. Identifiers: Orphanet 144, MedGen C1833477, MONDO:0013710, OMIM 614350. Disease mechanism: loss of function.

Submissions (4):

Labcorp Genetics (formerly Invitae), Labcorp
Classification: Pathogenic for Hereditary nonpolyposis colorectal neoplasms. Last evaluated: 2025-01-14. Review status: criteria provided, single submitter. Criteria: Invitae Variant Classification Sherloc (09022015). Collection method: clinical testing. Allele origin: germline.
Comment: This sequence change creates a premature translational stop signal (p.Arg841Glyfs*3) in the MSH6 gene. It is expected to result in an absent or disrupted protein product. Loss-of-function variants in MSH6 are known to be pathogenic (PMID: 18269114, 24362816). This variant is not present in population databases (gnomAD no frequency). This variant has not been reported in the literature in individuals affected with MSH6-related conditions. ClinVar contains an entry for this variant (Variation ID: 428402). For these reasons, this variant has been classified as Pathogenic.

Ambry Genetics
Classification: Pathogenic for Hereditary cancer-predisposing syndrome. Last evaluated: 2025-01-02. Review status: criteria provided, single submitter. Criteria: Ambry Variant Classification Scheme 2023. Collection method: clinical testing. Allele origin: germline.
Comment: The c.2521delA pathogenic mutation, located in coding exon 4 of the MSH6 gene, results from a deletion of one nucleotide at nucleotide position 2521, causing a translational frameshift with a predicted alternate stop codon (p.R841Gfs*3). This variant is considered to be rare based on population cohorts in the Genome Aggregation Database (gnomAD). This alteration is expected to result in loss of function by premature protein truncation or nonsense-mediated mRNA decay. As such, this alteration is interpreted as a disease-causing mutation.

Myriad Genetics, Inc.
Classification: Pathogenic for Lynch syndrome 5. Last evaluated: 2023-08-17. Review status: criteria provided, single submitter. Criteria: Myriad Autosomal Dominant, Autosomal Recessive and X-Linked Classification Criteria (2023). Collection method: clinical testing. Allele origin: unknown.
Comment: This variant is considered pathogenic. This variant creates a frameshift predicted to result in premature protein truncation.

GeneDx
Classification: Pathogenic. Last evaluated: 2020-02-27. Review status: criteria provided, single submitter. Criteria: GeneDx Variant Classification Process June 2021. Collection method: clinical testing. Allele origin: germline. Affected: yes.
Comment: Frameshift variant predicted to result in protein truncation or nonsense mediated decay in a gene for which loss-of-function is a known mechanism of disease; Not observed in large population cohorts (Lek 2016); Truncating variants in this gene are considered pathogenic by a well-established clinical consortium and/or database; Has not been previously published as pathogenic or benign to our knowledge

Literature cited by the submitters: PubMed 18269114 (cited by Labcorp Genetics (formerly Invitae), Labcorp); PubMed 24362816 (cited by Labcorp Genetics (formerly Invitae), Labcorp).